The following is an entry in ClinVar:

ClinVar aggregate classification (germline): Uncertain significance (1 of 4 stars; one submission).

Submission:

Labcorp Genetics (formerly Invitae), Labcorp
Classification: Uncertain significance. Last evaluated: 2023-07-16. Review status: criteria provided, single submitter. Criteria: Invitae Variant Classification Sherloc (09022015). Collection method: clinical testing. Allele origin: germline.
Comment: This variant is not present in population databases (gnomAD no frequency). In summary, the available evidence is currently insufficient to determine the role of this variant in disease. Therefore, it has been classified as a Variant of Uncertain Significance. Advanced modeling of protein sequence and biophysical properties (such as structural, functional, and spatial information, amino acid conservation, physicochemical variation, residue mobility, and thermodynamic stability) performed at Invitae indicates that this missense variant is expected to disrupt ACTN1 protein function. This variant has not been reported in the literature in individuals affected with ACTN1-related conditions. This sequence change replaces glutamine, which is neutral and polar, with arginine, which is basic and polar, at codon 32 of the ACTN1 protein (p.Gln32Arg).

NM_001130004.2(ACTN1):c.95A>G (p.Gln32Arg)

Gene: ACTN1 (actinin alpha 1; minus strand). Cytogenetic location: 14q24.1.
Variant type: single nucleotide variant.
Coding change: c.95A>G on transcript NM_001130004.2 (MANE Select); coding-DNA position 95, A replaced by G.
Protein change: p.Gln32Arg; replaces glutamine 32 with arginine.
Molecular consequence: missense variant. On other transcripts: 5 prime UTR variant (1).
Genome position (GRCh38, 1-based): chr14:68,978,962, T>C on the plus strand (A>G on the coding strand, the complement: ACTN1 is on the minus strand). VCF-style: chr14-68978962-T-C. GRCh37 (hg19) VCF-style: chr14-69445679-T-C.
Other names: c.95A>G, p.Gln32Arg (NM_001102.4, NM_001130005.2, NM_001411035.1 and 10 more transcripts); c.-816A>G (NM_001424030.1); short protein forms Q32R.
Identifiers: ClinVar variation 2744088 (VCV002744088.3), dbSNP rs2505012066, ClinGen allele CA390187080.